The following is an entry in ClinVar:

NM_005033.3(EXOSC9):c.129del (p.Asp42_Tyr43insTer)

Gene: EXOSC9 (exosome component 9; plus strand). Cytogenetic location: 4q27.
Variant type: Deletion.
Coding change: c.129del on transcript NM_005033.3 (MANE Select); coding-DNA position 129, one base deleted (C; older notation c.129delC).
Protein change: p.Asp42_Tyr43insTer.
Molecular consequence: nonsense.
Genome position (GRCh38, 1-based): chr4:121,801,889, C deleted. VCF-style (leftmost placement, unchanged base first): chr4-121801888-AC-A. GRCh37 (hg19) VCF-style: chr4-122723043-AC-A.
Other names: c.129del, p.Asp42_Tyr43insTer (NM_001034194.2).
Identifiers: ClinVar variation 1964976 (VCV001964976.5), dbSNP rs772936359, ClinGen allele CA3063287.

ClinVar aggregate classification (germline): Pathogenic (1 of 4 stars; one submission).

Allele frequency attached by ClinVar (database versions not stated): gnomAD exomes below 0.00001; ExAC 0.00001.

Submission:

Labcorp Genetics (formerly Invitae), Labcorp
Classification: Pathogenic. Last evaluated: 2023-12-06. Review status: criteria provided, single submitter. Criteria: Invitae Variant Classification Sherloc (09022015). Collection method: clinical testing. Allele origin: germline.
Comment: This sequence change creates a premature translational stop signal (p.Tyr43*) in the EXOSC9 gene. It is expected to result in an absent or disrupted protein product. Loss-of-function variants in EXOSC9 are known to be pathogenic (PMID: 29727687, 33040083). This variant is present in population databases (rs772936359, gnomAD 0.003%). This variant has not been reported in the literature in individuals affected with EXOSC9-related conditions. ClinVar contains an entry for this variant (Variation ID: 1964976). For these reasons, this variant has been classified as Pathogenic.

Literature cited by the submitters: PubMed 29727687; PubMed 33040083.